The following is an entry in ClinVar:

ClinVar aggregate classification (germline): Uncertain significance (1 of 4 stars; one submission).

Conditions:
GLUT1 deficiency syndrome 1, autosomal recessive. Identifiers: MedGen C3149117.

Allele frequency attached by ClinVar (database versions not stated): TOPMed below 0.00001; gnomAD 0.00001; gnomAD exomes 0.00001.
gnomAD v4.1: 9 of 1,613,892 alleles (0.00056%); highest among the groups gnomAD compares: Non-Finnish European, 0.00076%; no homozygotes.

Submission:

Labcorp Genetics (formerly Invitae), Labcorp
Classification: Uncertain significance for GLUT1 deficiency syndrome 1, autosomal recessive. Last evaluated: 2022-05-31. Review status: criteria provided, single submitter. Criteria: Invitae Variant Classification Sherloc (09022015). Collection method: clinical testing. Allele origin: germline.
Comment: This missense change has been observed in individual(s) with SLC2A1-related conditions (PMID: 29655203). ClinVar contains an entry for this variant (Variation ID: 1441521). Advanced modeling of protein sequence and biophysical properties (such as structural, functional, and spatial information, amino acid conservation, physicochemical variation, residue mobility, and thermodynamic stability) performed at Invitae indicates that this missense variant is expected to disrupt SLC2A1 protein function. In summary, the available evidence is currently insufficient to determine the role of this variant in disease. Therefore, it has been classified as a Variant of Uncertain Significance. This sequence change replaces arginine, which is basic and polar, with tryptophan, which is neutral and slightly polar, at codon 249 of the SLC2A1 protein (p.Arg249Trp). This variant is not present in population databases (gnomAD no frequency).

Literature cited by the submitters: PubMed 29655203.

NM_006516.4(SLC2A1):c.745C>T (p.Arg249Trp)

Gene: SLC2A1 (solute carrier family 2 member 1; minus strand). Cytogenetic location: 1p34.2.
Variant type: single nucleotide variant.
Coding change: c.745C>T on transcript NM_006516.4 (MANE Select); coding-DNA position 745, C replaced by T.
Protein change: p.Arg249Trp; replaces arginine 249 with tryptophan.
Molecular consequence: missense variant.
Genome position (GRCh38, 1-based): chr1:42,929,715, G>A on the plus strand (C>T on the coding strand, the complement: SLC2A1 is on the minus strand). VCF-style: chr1-42929715-G-A. GRCh37 (hg19) VCF-style: chr1-43395386-G-A.
Other names: short protein forms R249W.
Identifiers: ClinVar variation 1441521 (VCV001441521.6), dbSNP rs796053250, ClinGen allele CA318436.
Genomic context (GRCh38, chr1:42,929,715, plus strand): 5'-GGTAGGCGGGGGAGCGGAACAGCTCCAGGATGGTGACCTTCTTCTCCCGCATCATCTGCC[G>A]ACTCTCTTCCTTCATCTCCTGCAGGTCATGGGTCACGTCAGCTGTCCCGCGCAGCTTCTT-3'
Protein context (NP_006507.2, residues 239-259): HDLQEMKEES[Arg249Trp]QMMREKKVTI